The following is an entry in ClinVar:

NM_004360.5(CDH1):c.1360G>A (p.Val454Ile)

Gene: CDH1 (cadherin 1; plus strand). Cytogenetic location: 16q22.1.
Variant type: single nucleotide variant.
Coding change: c.1360G>A on transcript NM_004360.5 (MANE Select); coding-DNA position 1360, G replaced by A.
Protein change: p.Val454Ile; replaces valine 454 with isoleucine.
Molecular consequence: missense variant. On other transcripts: 5 prime UTR variant (2).
Genome position (GRCh38, 1-based): chr16:68,815,554, G>A. VCF-style: chr16-68815554-G-A. GRCh37 (hg19) VCF-style: chr16-68849457-G-A.
Other names: p.V454I:GTA>ATA; NM_001317186.2:c.-460G>A; c.1360G>A (LRG_301t1); c.1177G>A, p.Val393Ile (NM_001317184.2); c.-189G>A (NM_001317185.2); c.-460G>A (NM_001317186.2); short protein forms V454I, V393I.
Identifiers: ClinVar variation 127912 (VCV000127912.45), dbSNP rs587780112, ClinGen allele CA288034.

ClinVar aggregate classification (germline): Likely benign. Review status: reviewed by expert panel (3 of 4 stars). 12 submissions from 12 submitters: Likely benign (1). 11 of the submissions do not count toward it. Last evaluated 2023-08-03.

Conditions:
CDH1-related diffuse gastric and lobular breast cancer syndrome. Also called: CDH1-related diffuse gastric and lobular breast cancer. Identifiers: MedGen CN311521, MONDO:0100488.
Hereditary cancer-predisposing syndrome. Also called: Tumor predisposition; Hereditary Cancer Syndrome; Neoplastic Syndromes, Hereditary; Hereditary neoplastic syndrome. Identifiers: Orphanet 140162, MedGen C0027672, MeSH D009386, MONDO:0015356.
Ovarian cancer. Also called: OVARIAN CANCER, SOMATIC. Identifiers: Orphanet 213500, MedGen C1140680, MONDO:0008170, OMIM 167000.
Hereditary diffuse gastric adenocarcinoma (HDGC). Also called: DIFFUSE GASTRIC AND LOBULAR BREAST CANCER SYNDROME. Identifiers: Orphanet 26106, MedGen C1708349, MONDO:0007648, OMIM 137215.

Allele frequency attached by ClinVar (database versions not stated): gnomAD exomes 0.00002 and 0.00004; TOPMed 0.00002; ExAC 0.00003; gnomAD 0.00003.
gnomAD v4.1: 59 of 1,614,008 alleles (0.0037%); highest among the groups gnomAD compares: Admixed American, 0.012%; no homozygotes.

Submissions (12):

Clingen Gastric Cancer Variant Curation Expert Panel
Classification: Likely benign for CDH1-related diffuse gastric and lobular breast cancer syndrome. Last evaluated: 2023-08-03. Review status: reviewed by expert panel. Criteria: ClinGen CDH1 ACMG Specifications V3.1. Collection method: curation. Allele origin: germline. Inheritance: Autosomal dominant inheritance.
Comment: The c.1360G>A (p.Val454Ile) variant results in a conservative missense change in the Cadherin 3 domain of CDH1. This variant was observed in 4 in 152,164 alleles in the gnomAD v3.1.2 population database. However, this variants has also been observed in more than 10 individuals without GC, DGC, gastric SRC tumours or LBC and whose families do not suggest HDGC (BS2). In summary, this variant meets criteria to be classified as Likely Benign based on the ACMG/AMP criteria applied as specified by the CDH1 Variant Curation Expert Panel: BS2. (CDH1 VCEP specifications version 3.1; 05/22/2023)

Labcorp Genetics (formerly Invitae), Labcorp
Classification: Likely benign for Hereditary diffuse gastric adenocarcinoma. Last evaluated: 2026-01-27. Review status: criteria provided, single submitter. Criteria: Invitae Variant Classification Sherloc (09022015). Collection method: clinical testing. Allele origin: germline. Not counted in ClinVar's aggregate classification.

Color Diagnostics, LLC DBA Color Health
Classification: Likely benign for Hereditary cancer-predisposing syndrome. Last evaluated: 2025-11-18. Review status: criteria provided, single submitter. Criteria: ACMG Guidelines, 2015. Collection method: clinical testing. Allele origin: germline. Not counted in ClinVar's aggregate classification.

Women's Health and Genetics/Laboratory Corporation of America, LabCorp
Classification: Uncertain significance. Last evaluated: 2025-01-06. Review status: criteria provided, single submitter. Criteria: LabCorp Variant Classification Summary - May 2015. Collection method: clinical testing. Allele origin: germline. Not counted in ClinVar's aggregate classification.
Comment: Variant summary: CDH1 c.1360G>A (p.Val454Ile) results in a conservative amino acid change in the encoded protein sequence. Four of five in-silico tools predict a benign effect of the variant on protein function. The variant allele was found at a frequency of 2.4e-05 in 251472 control chromosomes. The available data on variant occurrences in the general population are insufficient to allow any conclusion about variant significance. c.1360G>A has been reported in the literature in one unspecified individual affected with Breast Cancer, without strong evidence for causality (de Oliveira_2022). These report(s) do not provide unequivocal conclusions about association of the variant with Breast Cancer. To our knowledge, no experimental evidence demonstrating an impact on protein function has been reported. The following publication has been ascertained in the context of this evaluation (PMID: 35534704). ClinVar contains an entry for this variant (Variation ID: 127912). Based on the evidence outlined above, the variant was classified as uncertain significance.

Quest Diagnostics Nichols Institute San Juan Capistrano
Classification: Uncertain significance. Last evaluated: 2023-08-04. Review status: criteria provided, single submitter. Criteria: Quest Diagnostics criteria. Collection method: clinical testing. Allele origin: unknown. Not counted in ClinVar's aggregate classification.
Comment: In the published literature, this variant has been reported in individuals and families with breast cancer (PMIDs: 36436516 (2023), 33471991 (2021), 25186627 (2015)), as well as healthy, unaffected individuals (PMID: 33471991 (2021), see also LOVD). The frequency of this variant in the general population, 0.00011 (4/35440 chromosomes in Latino/Admixed American subpopulation (Genome Aggregation Database)), is higher than would generally be expected for pathogenic variants in this gene. Analysis of this variant using bioinformatics tools for the prediction of the effect of amino acid changes on protein structure and function yielded predictions that this variant is benign. Based on the available information, we are unable to determine the clinical significance of this variant.

Myriad Genetics, Inc.
Classification: Uncertain significance for Hereditary diffuse gastric adenocarcinoma. Last evaluated: 2023-03-07. Review status: criteria provided, single submitter. Criteria: Myriad Autosomal Dominant, Autosomal Recessive and X-Linked Classification Criteria (2023). Collection method: clinical testing. Allele origin: unknown. Not counted in ClinVar's aggregate classification.
Comment: This variant is classified as a variant of uncertain significance as there is insufficient evidence to determine its impact on protein function and/or cancer risk.

European Reference Network on Genetic Tumour Risk Syndromes (ERN-GENTURIS), i3s - Instituto de Investigação e Inovação em Saúde, University of Porto
Classification: Uncertain significance for Hereditary diffuse gastric adenocarcinoma. Last evaluated: 2022-08-01. Review status: criteria provided, single submitter. Criteria: Lee et al. (Hum Mutat. 2018). Collection method: clinical testing. Allele origin: germline. Inheritance: Autosomal dominant inheritance. Affected: no. Study: ERN GENTURIS. Not counted in ClinVar's aggregate classification.
Comment: BS2_Supporting (PMID: 30311375)

GeneDx
Classification: Uncertain significance. Last evaluated: 2022-03-07. Review status: criteria provided, single submitter. Criteria: GeneDx Variant Classification Process June 2021. Collection method: clinical testing. Allele origin: germline. Affected: yes. Not counted in ClinVar's aggregate classification.
Comment: In silico analysis supports that this missense variant does not alter protein structure/function; Has not been previously published as pathogenic or benign to our knowledge; This variant is associated with the following publications: (PMID: 15235021, 22850631)

Sema4
Classification: Uncertain significance for Hereditary cancer-predisposing syndrome. Last evaluated: 2021-08-17. Review status: criteria provided, single submitter. Criteria: Sema4 Curation Guidelines. Collection method: curation. Allele origin: germline. Not counted in ClinVar's aggregate classification.
Comment: The CDH1 c.1360G>A (p.V454I) variant has been reported in individuals with breast cancer as well as in controls (PMID: 33471991, 25186627). It was observed in 4/35440 chromosomes of the Latino subpopulation in the large and broad cohorts of the Genome Aggregation Database (PMID: 32461654). The variant has been reported in ClinVar (Variation ID 127912). Functional studies have not been performed, and in silico predictions of the variant's effect on protein function are inconclusive. The evidence is insufficient to meet ACMG/AMP criteria for classifying the variant as benign or pathogenic. Thus, the clinical significance of this variant is currently uncertain.

Department of Pathology and Laboratory Medicine, Sinai Health System
Classification: Uncertain significance for Ovarian cancer. Last evaluated: 2020-12-07. Review status: criteria provided, single submitter. Criteria: ACMG Guidelines, 2015. Collection method: clinical testing. Allele origin: germline. Affected: yes. Not counted in ClinVar's aggregate classification.

Ambry Genetics
Classification: Likely benign for Hereditary cancer-predisposing syndrome. Last evaluated: 2018-11-15. Review status: criteria provided, single submitter. Criteria: Ambry Variant Classification Scheme 2023. Collection method: clinical testing. Allele origin: germline. Not counted in ClinVar's aggregate classification.

Counsyl
Classification: Uncertain significance for Hereditary diffuse gastric adenocarcinoma. Last evaluated: 2017-06-13. Review status: no assertion criteria provided. Collection method: clinical testing. Allele origin: unknown. Not counted in ClinVar's aggregate classification.

Literature cited by the submitters: PubMed 35534704 (cited by Women's Health and Genetics/Laboratory Corporation of America, LabCorp); PubMed 25186627 (cited by 4 submitters); PubMed 33471991 (cited by Quest Diagnostics Nichols Institute San Juan Capistrano and Sema4); PubMed 36436516 (cited by Quest Diagnostics Nichols Institute San Juan Capistrano and European Reference Network on Genetic Tumour Risk Syndromes (ERN-GENTURIS), i3s - Instituto de Investigação e Inovação em Saúde, University of Porto).